The following is an entry in ClinVar:

NM_000395.3(CSF2RB):c.2484_2495dup (p.Pro832_Leu833insGlyProGlyPro)

Gene: CSF2RB (colony stimulating factor 2 receptor subunit beta; plus strand). Cytogenetic location: 22q12.3.
Variant type: Duplication.
Coding change: c.2484_2495dup on transcript NM_000395.3 (MANE Select); coding-DNA positions 2484 to 2495, 12 bases duplicated (GGGGCCCGGCCC).
Protein change: p.Pro832_Leu833insGlyProGlyPro.
Genome position (GRCh38, 1-based): chr22:36,938,292-36,938,303, GGGGCCCGGCCC duplicated. VCF-style (leftmost placement, unchanged base first): chr22-36938291-T-TGGGGCCCGGCCC. GRCh37 (hg19) VCF-style: chr22-37334333-T-TGGGGCCCGGCCC.
Other names: c.2502_2513dup, p.Pro838_Leu839insGlyProGlyPro (NM_001410827.1).
Identifiers: ClinVar variation 3644634 (VCV003644634.2).

ClinVar aggregate classification (germline): Uncertain significance (1 of 4 stars; one submission).

Submission:

Labcorp Genetics (formerly Invitae), Labcorp
Classification: Uncertain significance. Last evaluated: 2024-03-05. Review status: criteria provided, single submitter. Criteria: Invitae Variant Classification Sherloc (09022015). Collection method: clinical testing. Allele origin: germline.
Comment: This variant, c.2484_2495dup, results in the insertion of 4 amino acid(s) of the CSF2RB protein (p.Gly829_Pro832dup), but otherwise preserves the integrity of the reading frame. This variant is not present in population databases (gnomAD no frequency). This variant has not been reported in the literature in individuals affected with CSF2RB-related conditions. Experimental studies and prediction algorithms are not available or were not evaluated, and the functional significance of this variant is currently unknown. In summary, the available evidence is currently insufficient to determine the role of this variant in disease. Therefore, it has been classified as a Variant of Uncertain Significance.